The following is an entry in ClinVar:

NM_000540.3(RYR1):c.2656A>G (p.Ile886Val)

Gene: RYR1 (ryanodine receptor 1; plus strand). Cytogenetic location: 19q13.2.
Variant type: single nucleotide variant.
Coding change: c.2656A>G on transcript NM_000540.3 (MANE Select); coding-DNA position 2656, A replaced by G.
Protein change: p.Ile886Val; replaces isoleucine 886 with valine.
Molecular consequence: missense variant.
Genome position (GRCh38, 1-based): chr19:38,463,501, A>G. VCF-style: chr19-38463501-A-G. GRCh37 (hg19) VCF-style: chr19-38954141-A-G.
Other names: c.2656A>G, p.Ile886Val (NM_001042723.2); short protein forms I886V.
Identifiers: ClinVar variation 590505 (VCV000590505.7), dbSNP rs1568458376, ClinGen allele CA405632050.

ClinVar aggregate classification (germline): Uncertain significance. Review status: criteria provided, multiple submitters, no conflicts (2 of 4 stars). 2 submissions from 2 submitters: Uncertain significance (2). Last evaluated 2021-08-26.

Conditions:
RYR1-related disorder. Also called: RYR1-related disorders; RYR1-related condition. Identifiers: MedGen CN239331.

Submissions (2):

Labcorp Genetics (formerly Invitae), Labcorp
Classification: Uncertain significance for RYR1-related disorder. Last evaluated: 2021-08-26. Review status: criteria provided, single submitter. Criteria: Invitae Variant Classification Sherloc (09022015). Collection method: clinical testing. Allele origin: germline.
Comment: This sequence change replaces isoleucine with valine at codon 886 of the RYR1 protein (p.Ile886Val). The isoleucine residue is highly conserved and there is a small physicochemical difference between isoleucine and valine. This variant is not present in population databases (ExAC no frequency). This variant has not been reported in the literature in individuals affected with RYR1-related conditions. ClinVar contains an entry for this variant (Variation ID: 590505). Advanced modeling of protein sequence and biophysical properties (such as structural, functional, and spatial information, amino acid conservation, physicochemical variation, residue mobility, and thermodynamic stability) performed at Invitae indicates that this missense variant is not expected to disrupt RYR1 protein function. In summary, the available evidence is currently insufficient to determine the role of this variant in disease. Therefore, it has been classified as a Variant of Uncertain Significance.

PreventionGenetics, part of Exact Sciences
Classification: Uncertain significance. Last evaluated: 2016-03-18. Review status: criteria provided, single submitter. Criteria: ACMG Guidelines, 2015. Collection method: clinical testing. Allele origin: germline.